The following is an entry in ClinVar:

GRCh38/hg38 17q21.31(chr17:43084625-43097266)x1

Genes: BRCA1 (BRCA1 DNA repair associated; minus strand), LOC126862571 (BRD4-independent group 4 enhancer GRCh37_chr17:41243136-41244335; plus strand). Cytogenetic location: 17q21.31.
Variant type: copy number loss.
Change: copy number 1 (one copy instead of two) of chr17:43,084,625-43,097,266 (12.6 kb, GRCh38 coordinates, 1-based), cytogenetic band 17q21.31.
Identifiers: ClinVar variation 4755381 (VCV004755381.1).

ClinVar aggregate classification (germline): Pathogenic (1 of 4 stars; one submission).

Submission:

Clinical Genomics Laboratory, Laboratory for Precision Diagnostics, University of Washington
Classification: Pathogenic. Last evaluated: 2022-01-10. Review status: criteria provided, single submitter. Criteria: ACMG/ClinGen CNV Guidelines, 2019. Collection method: clinical testing. Allele origin: unknown. Affected: yes. Observed: 1 variant allele.
Comment: This deletion is a minimum of 12.6 kb in size and encompasses part of BRCA1 exon 8 and the entirety of exons 9, 10, and 11 (NM_007294.4). Heterozygous loss of function variants in BRCA1 are associated with an increased chance of developing a variety of cancers, such as breast, ovarian, prostate, and pancreatic cancer.

Literature cited by the submitters: PubMed 29446198; PubMed 25236687; PubMed 17646271; PubMed 23233716.